The following is an entry in ClinVar:

ClinVar aggregate classification (germline): Uncertain significance. Review status: criteria provided, multiple submitters, no conflicts (2 of 4 stars). 2 submissions from 2 submitters: Uncertain significance (2). Last evaluated 2024-10-15.

Conditions:
Inborn genetic diseases. Identifiers: MedGen C0950123, MeSH D030342.
Epidermolysis bullosa simplex 3, localized or generalized intermediate, with BP230 deficiency (EBS3). Also called: Epidermolysis bullosa simplex, autosomal recessive 2; Epidermolysis bullosa simplex due to BP230 deficiency. Identifiers: Orphanet 412181, MedGen C3809470, MONDO:0014180, OMIM 615425.
Hereditary sensory and autonomic neuropathy type 6. Also called: Neuropathy, hereditary sensory and autonomic, type VI; HSAN VI. Identifiers: Orphanet 314381, MedGen C3539003, MONDO:0013839, OMIM 614653.

Allele frequency attached by ClinVar (database versions not stated): ExAC 0.00008; ESP Exome Variant Server 0.00008; TOPMed 0.00009; gnomAD exomes 0.00010; gnomAD 0.00011.
gnomAD v4.1: 491 of 1,614,062 alleles (0.03%); highest among the groups gnomAD compares: Non-Finnish European, 0.04%; no homozygotes.

Submissions (2):

Labcorp Genetics (formerly Invitae), Labcorp
Classification: Uncertain significance for Epidermolysis bullosa simplex 3, localized or generalized intermediate, with BP230 deficiency; Hereditary sensory and autonomic neuropathy type 6. Last evaluated: 2024-10-15. Review status: criteria provided, single submitter. Criteria: Invitae Variant Classification Sherloc (09022015). Collection method: clinical testing. Allele origin: germline.
Comment: This sequence change replaces histidine, which is basic and polar, with asparagine, which is neutral and polar, at codon 592 of the DST protein (p.His592Asn). This variant is present in population databases (rs376394935, gnomAD 0.02%). This variant has not been reported in the literature in individuals affected with DST-related conditions. ClinVar contains an entry for this variant (Variation ID: 574217). An algorithm developed to predict the effect of missense changes on protein structure and function (PolyPhen-2) suggests that this variant is likely to be disruptive. In summary, the available evidence is currently insufficient to determine the role of this variant in disease. Therefore, it has been classified as a Variant of Uncertain Significance.

Ambry Genetics
Classification: Uncertain significance for Inborn genetic diseases. Last evaluated: 2023-02-02. Review status: criteria provided, single submitter. Criteria: Ambry Variant Classification Scheme 2023. Collection method: clinical testing. Allele origin: germline.

NM_001374736.1(DST):c.3385C>A (p.His1129Asn)

Gene: DST (dystonin; minus strand). Cytogenetic location: 6p12.1.
Variant type: single nucleotide variant.
Coding change: c.3385C>A on transcript NM_001374736.1 (MANE Select); coding-DNA position 3385, C replaced by A.
Protein change: p.His1129Asn; replaces histidine 1129 with asparagine.
Molecular consequence: missense variant.
Genome position (GRCh38, 1-based): chr6:56,634,571, G>T on the plus strand (C>A on the coding strand, the complement: DST is on the minus strand). VCF-style: chr6-56634571-G-T. GRCh37 (hg19) VCF-style: chr6-56499369-G-T.
Other names: c.3286C>A, p.His1096Asn (NM_001144769.5); c.2872C>A, p.His958Asn (NM_001144770.2); c.3385C>A, p.His1129Asn (NM_001374722.1); c.2752C>A, p.His918Asn (NM_001374729.1, NM_001374730.1, NM_001386100.1 and 1 more transcripts); c.3412C>A, p.His1138Asn (NM_001374734.1); c.1774C>A, p.His592Asn (NM_001723.7, NM_015548.5); short protein forms H592N, H958N, H1096N, H918N, H1129N, H1138N.
Identifiers: ClinVar variation 574217 (VCV000574217.10), dbSNP rs376394935, ClinGen allele CA3871168.